The following is an entry in ClinVar:

NM_020791.4(TAOK1):c.687T>G (p.Asn229Lys)

Gene: TAOK1 (TAO kinase 1; plus strand). Cytogenetic location: 17q11.2.
Variant type: single nucleotide variant.
Coding change: c.687T>G on transcript NM_020791.4 (MANE Select); coding-DNA position 687, T replaced by G.
Protein change: p.Asn229Lys; replaces asparagine 229 with lysine.
Molecular consequence: missense variant.
Genome position (GRCh38, 1-based): chr17:29,489,695, T>G. VCF-style: chr17-29489695-T-G. GRCh37 (hg19) VCF-style: chr17-27816713-T-G.
Other names: c.687T>G, p.Asn229Lys (NM_025142.1); short protein forms N229K.
Identifiers: ClinVar variation 4531644 (VCV004531644.1).

ClinVar aggregate classification (germline): Likely pathogenic (1 of 4 stars; one submission).

Conditions:
Developmental delay with or without intellectual impairment or behavioral abnormalities. Identifiers: MedGen C5562004, MONDO:0859199, OMIM 619575.

Submission:

Victorian Clinical Genetics Services, Murdoch Childrens Research Institute
Classification: Likely pathogenic for Developmental delay with or without intellectual impairment or behavioral abnormalities. Last evaluated: 2024-11-25. Review status: criteria provided, single submitter. Criteria: ACMG Guidelines, 2015. Collection method: clinical testing. Allele origin: germline. Affected: yes.
Comment: This variant is classified as Likely pathogenic. Evidence in support of pathogenic classification: Variant is absent from gnomAD (v2, v3 and v4); Missense variant in a region that is highly intolerant to missense variation (high constraint region in DECIPHER); Additional information: Variant is predicted to result in a missense amino acid change from asparagine to lysine; This variant is heterozygous; This gene is associated with autosomal dominant disease; This variant has no previous evidence of pathogenicity; No published segregation evidence has been identified for this variant; No published functional evidence has been identified for this variant; No comparable missense variants have previous evidence for pathogenicity; Missense variant with conflicting in silico predictions and uninformative conservation; Loss of function is a known mechanism of disease in this gene and is associated with developmental delay with or without intellectual impairment or behavioural abnormalities (MIM#619575); Variants in this gene are known to have variable expressivity. There have been reports of affected individuals inheriting variants from mildly affected parents (OMIM).